The following is an entry in ClinVar:

NM_001261826.3(AP3D1):c.1715C>T (p.Ala572Val)

Gene: AP3D1 (adaptor related protein complex 3 subunit delta 1; minus strand). Cytogenetic location: 19p13.3.
Variant type: single nucleotide variant.
Coding change: c.1715C>T on transcript NM_001261826.3 (MANE Select); coding-DNA position 1715, C replaced by T.
Protein change: p.Ala572Val; replaces alanine 572 with valine.
Molecular consequence: missense variant.
Genome position (GRCh38, 1-based): chr19:2,117,366, G>A on the plus strand (C>T on the coding strand, the complement: AP3D1 is on the minus strand). VCF-style: chr19-2117366-G-A. GRCh37 (hg19) VCF-style: chr19-2117365-G-A.
Other names: c.1715C>T, p.Ala572Val (NM_001374799.1, NM_003938.8); short protein forms A572V.
Identifiers: ClinVar variation 2788943 (VCV002788943.3), dbSNP rs767669178, ClinGen allele CA9059199.

ClinVar aggregate classification (germline): Uncertain significance (1 of 4 stars; one submission).

Allele frequency attached by ClinVar (database versions not stated): gnomAD exomes below 0.00001; ExAC 0.00001.
gnomAD v4.1: 5 of 1,595,960 alleles (0.00031%); highest among the groups gnomAD compares: Non-Finnish European, 0.00034%; no homozygotes.

Submission:

Labcorp Genetics (formerly Invitae), Labcorp
Classification: Uncertain significance. Last evaluated: 2023-07-18. Review status: criteria provided, single submitter. Criteria: Invitae Variant Classification Sherloc (09022015). Collection method: clinical testing. Allele origin: germline.
Comment: In summary, the available evidence is currently insufficient to determine the role of this variant in disease. Therefore, it has been classified as a Variant of Uncertain Significance. An algorithm developed to predict the effect of missense changes on protein structure and function (PolyPhen-2) suggests that this variant is likely to be disruptive. This variant has not been reported in the literature in individuals affected with AP3D1-related conditions. The frequency data for this variant in the population databases is considered unreliable, as metrics indicate poor data quality at this position in the gnomAD database. This sequence change replaces alanine, which is neutral and non-polar, with valine, which is neutral and non-polar, at codon 572 of the AP3D1 protein (p.Ala572Val).